The following is an entry in ClinVar:

NM_000235.4(LIPA):c.519T>C (p.His173=)

Gene: LIPA (lipase A, lysosomal acid type; minus strand). Cytogenetic location: 10q23.31.
Variant type: single nucleotide variant.
Coding change: c.519T>C on transcript NM_000235.4 (MANE Select); coding-DNA position 519, T replaced by C.
Protein change: p.His173=; no amino-acid change (histidine 173 retained).
Molecular consequence: synonymous variant.
Genome position (GRCh38, 1-based): chr10:89,226,914, A>G on the plus strand (T>C on the coding strand, the complement: LIPA is on the minus strand). VCF-style: chr10-89226914-A-G. GRCh37 (hg19) VCF-style: chr10-90986671-A-G.
Other names: c.519T>C, p.His173= (NM_001127605.3); c.171T>C, p.His57= (NM_001288979.2).
Identifiers: ClinVar variation 3054679 (VCV003054679.2), dbSNP rs768468011, ClinGen allele CA5593708.
Genomic context (GRCh38, chr10:89,226,914, plus strand): 5'-GAAGAATTTATATCAACTTCTGATCTTATTTACATACATACCTATAGTGGTGCCTTGAGA[A>G]TGACCCACATAATACACTTGTTCTTGGCCAGTTTTATTCAGAATGAAGTTAATGGAAGCT-3'
Protein context (NP_000226.2, residues 163-183): TGQEQVYYVG[His173=]SQGTTIGFIA

ClinVar aggregate classification (germline): Likely benign (0 of 4 stars; one submission).

Conditions:
LIPA-related disorder. Also called: LIPA-related disorders; LIPA-related condition.

Allele frequency attached by ClinVar (database versions not stated): gnomAD exomes below 0.00001; ExAC 0.00001.
gnomAD v4.1: 1 of 1,595,834 alleles (0.000063%); no homozygotes.

Submission:

PreventionGenetics, part of Exact Sciences
Classification: Likely benign for LIPA-related condition. Last evaluated: 2023-12-13. Review status: no assertion criteria provided. Collection method: clinical testing. Allele origin: germline.
Comment: This variant is classified as likely benign based on ACMG/AMP sequence variant interpretation guidelines (Richards et al. 2015 PMID: 25741868, with internal and published modifications).